The following is an entry in ClinVar:

ClinVar aggregate classification (germline): Uncertain significance (1 of 4 stars; one submission).

gnomAD v4.1: 1 of 1,613,834 alleles (0.000062%); highest among the groups gnomAD compares: Admixed American, 0.0017%; no homozygotes.

Submission:

Dasa
Classification: Uncertain significance. Last evaluated: 2025-08-01. Review status: criteria provided, single submitter. Criteria: DASA Assertion Criteria. Collection method: clinical testing. Allele origin: germline.
Comment: NM_000545.8(HNF1A):c.1623+6G>T is a splice-region variant. This variant is rare in population databases. The currently available literature and clinical evidence are not sufficient to establish a definitive association between this variant and the reported condition. Therefore, this variant is classified as a variant of uncertain significance.

NM_000545.8(HNF1A):c.1623+6G>T

Gene: HNF1A (HNF1 homeobox A; plus strand). Cytogenetic location: 12q24.31.
Variant type: single nucleotide variant.
Coding change: c.1623+6G>T on transcript NM_000545.8 (MANE Select); 6 bases into the intron after coding-DNA position 1623, G replaced by T.
Molecular consequence: intron variant.
Genome position (GRCh38, 1-based): chr12:120,999,395, G>T. VCF-style: chr12-120999395-G-T. GRCh37 (hg19) VCF-style: chr12-121437198-G-T.
Other names: c.1623+6G>T (NM_001306179.2); c.1431+6G>T (NM_001406915.1).
Identifiers: ClinVar variation 4885757 (VCV004885757.2).